The following is an entry in ClinVar:

NM_007294.4(BRCA1):c.585_586del (p.Tyr196fs)

Gene: BRCA1 (BRCA1 DNA repair associated; minus strand). Cytogenetic location: 17q21.31.
Variant type: Deletion.
Coding change: c.585_586del on transcript NM_007294.4 (MANE Select); coding-DNA positions 585 to 586, 2 bases deleted (TT; older notation c.585_586delTT).
Protein change: p.Tyr196fs; shifts the reading frame from tyrosine 196.
Molecular consequence: frameshift variant. On other transcripts: non-coding transcript variant (1).
Genome position (GRCh38, 1-based): chr17:43,097,251-43,097,252, AA deleted on the plus strand (TT on the coding strand, the reverse complement: BRCA1 is on the minus strand). VCF-style (leftmost placement, unchanged base first): chr17-43097250-TAA-T. GRCh37 (hg19) VCF-style: chr17-41249267-TAA-T.
Other names: c.375_376delTT, p.Tyr126Leufs (NM_001408506.1, NM_001408507.1, NM_001408513.1 and 27 more transcripts); c.444_445del, p.Tyr149fs (NM_007297.4); c.585_586delTT, p.Tyr196Leufs (NM_007298.4, NM_001407581.1, NM_001407582.1 and 57 more transcripts); c.204_205delTT, p.Tyr69Leufs (NM_001408510.1, NM_001407959.1, NM_001407960.1 and 1 more transcripts); c.372_373delTT, p.Tyr125Leufs (NM_001407571.1, NM_001407853.1, NM_001407894.1 and 12 more transcripts); c.582_583delTT, p.Tyr195Leufs (NM_001407587.1, NM_001407590.1, NM_001407591.1 and 41 more transcripts); c.576_577delTT, p.Tyr193Leufs (NM_001407646.1, NM_001407647.1, NM_001408408.1); c.507_508delTT, p.Tyr170Leufs (NM_001407653.1, NM_001407654.1, NM_001407655.1 and 9 more transcripts); and 6 more; short protein forms Y196fs, Y149fs.
Identifiers: ClinVar variation 479260 (VCV000479260.7), dbSNP rs1555594040, ClinGen allele CA658656648.

ClinVar aggregate classification (germline): Uncertain significance (1 of 4 stars; one submission).

Conditions:
Hereditary cancer-predisposing syndrome. Also called: Neoplastic Syndromes, Hereditary; Hereditary Cancer Syndrome; Hereditary neoplastic syndrome; Tumor predisposition. Identifiers: Orphanet 140162, MedGen C0027672, MeSH D009386, MONDO:0015356.

Submission:

Ambry Genetics
Classification: Uncertain significance for Hereditary cancer-predisposing syndrome. Last evaluated: 2025-03-31. Review status: criteria provided, single submitter. Criteria: Ambry Variant Classification Scheme 2023. Collection method: clinical testing. Allele origin: germline.
Comment: The c.585_586delTT variant, located in coding exon 7 of the BRCA1 gene, results from a deletion of two nucleotides at nucleotide positions 585 to 586, causing a translational frameshift with a predicted alternate stop codon (p.Y196Lfs*19). This alteration is expected to result in loss of function by premature protein truncation or nonsense-mediated mRNA decay. However, this variant occurs in an exon that is absent in biologically relevant transcripts (Colombo M et al. Hum. Mol. Genet. 2014 Jul;23:3666-80). Based on the available evidence, the clinical significance of this alteration remains unclear.